The following is an entry in ClinVar:

NM_002880.4(RAF1):c.194del (p.Lys65fs)

Gene: RAF1 (Raf-1 proto-oncogene, serine/threonine kinase; minus strand). Cytogenetic location: 3p25.2.
Variant type: Deletion.
Coding change: c.194del on transcript NM_002880.4 (MANE Select); coding-DNA position 194, one base deleted (A; older notation c.194delA).
Protein change: p.Lys65fs; shifts the reading frame from lysine 65.
Molecular consequence: frameshift variant. On other transcripts: non-coding transcript variant (3).
Genome position (GRCh38, 1-based): chr3:12,618,528, T deleted on the plus strand (A on the coding strand, the reverse complement: RAF1 is on the minus strand); the first of 2 consecutive T bases (chr3:12,618,528-12,618,529); deleting either gives the same sequence. VCF-style (leftmost placement, unchanged base first): chr3-12618527-CT-C. GRCh37 (hg19) VCF-style: chr3-12660026-CT-C.
Other names: c.194del, p.Lys65fs (NM_001354689.3, NM_001354690.3, NM_001354693.3); c.64del, p.Ser22fs (NM_001354691.3, NM_001354692.3, NM_001354694.3 and 1 more transcripts); short protein forms K65fs, S22fs.
Identifiers: ClinVar variation 4761810 (VCV004761810.1).

ClinVar aggregate classification (germline): Uncertain significance (1 of 4 stars; one submission).

Conditions:
RASopathy. Also called: rasopathies; Noonan spectrum disorder. Identifiers: Orphanet 536391, MedGen C5555857, MONDO:0021060.

Submission:

Labcorp Genetics (formerly Invitae), Labcorp
Classification: Uncertain significance for RASopathy. Last evaluated: 2025-03-05. Review status: criteria provided, single submitter. Criteria: Invitae Variant Classification Sherloc (09022015). Collection method: clinical testing. Allele origin: germline.
Comment: This sequence change creates a premature translational stop signal (p.Lys65Serfs*12) in the RAF1 gene. It is expected to result in an absent or disrupted protein product. However, the current clinical and genetic evidence is not sufficient to establish whether loss-of-function variants in RAF1 cause disease. This variant is not present in population databases (gnomAD no frequency). This variant has not been reported in the literature in individuals affected with RAF1-related conditions. In summary, the available evidence is currently insufficient to determine the role of this variant in disease. Therefore, it has been classified as a Variant of Uncertain Significance.